The following is an entry in ClinVar:

NM_001128840.3(CACNA1D):c.4288G>A (p.Gly1430Arg)

Gene: CACNA1D (calcium voltage-gated channel subunit alpha1 D; plus strand). Cytogenetic location: 3p21.1.
Variant type: single nucleotide variant.
Coding change: c.4288G>A on transcript NM_001128840.3 (MANE Select); coding-DNA position 4288, G replaced by A.
Protein change: p.Gly1430Arg; replaces glycine 1430 with arginine.
Molecular consequence: missense variant.
Genome position (GRCh38, 1-based): chr3:53,775,971, G>A. VCF-style: chr3-53775971-G-A. GRCh37 (hg19) VCF-style: chr3-53809998-G-A.
Other names: c.4348G>A, p.Gly1450Arg (NM_000720.4); c.4243G>A, p.Gly1415Arg (NM_001128839.3); short protein forms G1415R, G1430R, G1450R.
Identifiers: ClinVar variation 4695079 (VCV004695079.2).

ClinVar aggregate classification (germline): Uncertain significance. Review status: criteria provided, multiple submitters, no conflicts (2 of 4 stars). 2 submissions from 2 submitters: Uncertain significance (2). Last evaluated 2025-09-10.

gnomAD v4.1: 46 of 1,613,786 alleles (0.0029%); highest among the groups gnomAD compares: Admixed American, 0.0067%; no homozygotes.

Submissions (2):

Labcorp Genetics (formerly Invitae), Labcorp
Classification: Uncertain significance. Last evaluated: 2025-09-10. Review status: criteria provided, single submitter. Criteria: Invitae Variant Classification Sherloc (09022015). Collection method: clinical testing. Allele origin: germline.
Comment: This sequence change replaces glycine, which is neutral and non-polar, with arginine, which is basic and polar, at codon 1450 of the CACNA1D protein (p.Gly1450Arg). This variant is present in population databases (rs750386159, gnomAD 0.006%). This variant has not been reported in the literature in individuals affected with CACNA1D-related conditions. An algorithm developed to predict the effect of missense changes on protein structure and function (PolyPhen-2) suggests that this variant is likely to be disruptive. Algorithms developed to predict the effect of sequence changes on RNA splicing suggest that this variant may disrupt the consensus splice site. In summary, the available evidence is currently insufficient to determine the role of this variant in disease. Therefore, it has been classified as a Variant of Uncertain Significance.

Blueprint Genetics
Classification: Uncertain significance. Last evaluated: 2021-09-27. Review status: criteria provided, single submitter. Criteria: ACMG Guidelines, 2015. Collection method: clinical testing. Allele origin: germline.